The following is an entry in ClinVar:

ClinVar aggregate classification (germline): Pathogenic/Likely pathogenic. Review status: criteria provided, multiple submitters, no conflicts (2 of 4 stars). 4 submissions from 4 submitters: Pathogenic (2); Likely pathogenic (2). Last evaluated 2025-07-01.

Conditions:
NT5C2-related disorder. Also called: NT5C2-related condition.
Neurodevelopmental disorder. Identifiers: MedGen C1535926, MeSH D065886, MONDO:0700092.
Hereditary spastic paraplegia 45. Also called: Spastic paraplegia 45, autosomal recessive; SPASTIC PARAPLEGIA 45. Identifiers: Orphanet 320396, MedGen C3888209, MONDO:0013165, OMIM 613162.

Allele frequency attached by ClinVar (database versions not stated): gnomAD exomes below 0.00001; ExAC 0.00001.
gnomAD v4.1: 3 of 1,612,256 alleles (0.00019%); highest among the groups gnomAD compares: Non-Finnish European, 0.00025%; no homozygotes.

Submissions (4):

3billion
Classification: Pathogenic for Hereditary spastic paraplegia 45. Last evaluated: 2025-07-01. Review status: criteria provided, single submitter. Criteria: ACMG Guidelines, 2015. Collection method: clinical testing. Allele origin: germline. Affected: yes.
Comment: The variant is observed at an extremely low frequency in the gnomAD v4.1.0 dataset (total allele frequency: <0.001%). Predicted Consequence/Location: Canonical splice site: predicted to alter splicing and result in a loss or disruption of normal protein function. The predicted truncated protein may be shortened by more than 10%. In silico tools predict the variant to alter splicing and produce an abnormal transcript [SpliceAI: 0.89 (spliceogenicity >=0.2, non-spliceogenicity <0.1)]. The variant has been reported at least twice as pathogenic with clinical assertions and evidence for the classification (ClinVar ID: VCV001048080 /3billion dataset). Therefore, this variant is classified as Pathogenic according to the recommendation of ACMG/AMP guideline.

Blueprint Genetics
Classification: Likely pathogenic for NT5C2-related disorders. Last evaluated: 2024-07-18. Review status: criteria provided, single submitter. Criteria: ACMG Guidelines, 2015. Collection method: clinical testing. Allele origin: germline. Affected: yes. Observed: 2 variant alleles.

Laboratory of Molecular Genetics (Pr. Bezieau's lab), CHU de Nantes
Classification: Pathogenic for Neurodevelopmental disorder. Last evaluated: 2023-01-17. Review status: criteria provided, single submitter. Criteria: ACMG Guidelines, 2015. Collection method: clinical testing. Allele origin: germline. Affected: yes.

Breda Genetics srl
Classification: Likely pathogenic for Hereditary spastic paraplegia 45. Last evaluated: 2019-03-05. Review status: criteria provided, single submitter. Criteria: ACMG Guidelines, 2015. Collection method: clinical testing. Allele origin: germline. Inheritance: Autosomal recessive inheritance. Affected: yes. Observed: 1 variant allele, 1 homozygote.
Comment: The variant c.1449+2T>C in the NT5C2 gene affects the donor splice site of intron 18 and is therefore highly likely to impact the splicing process by causing the retention of the following intron and the formation of an aberrant mRNA, which is unlikely to be exported and translated into protein. The variant is reported with an estimated allele frequency of 0.000004 in gnomAD exomes (1/249214 alleles) with no homozygous individuals reported. The mutational spectrum of spinocerebellar ataxia 45 includes both protein-disrupting and missense variants.

NM_001351169.2(NT5C2):c.1449+2T>C

Gene: NT5C2 (5'-nucleotidase, cytosolic II; minus strand). Cytogenetic location: 10q24.32.
Variant type: single nucleotide variant.
Coding change: c.1449+2T>C on transcript NM_001351169.2 (MANE Select); the canonical splice donor site of the intron after coding-DNA position 1449, T replaced by C.
Molecular consequence: splice donor variant.
Genome position (GRCh38, 1-based): chr10:103,090,609, A>G on the plus strand (T>C on the coding strand, the complement: NT5C2 is on the minus strand). VCF-style: chr10-103090609-A-G. GRCh37 (hg19) VCF-style: chr10-104850366-A-G.
Other names: c.1473+2T>C (NM_001351170.2, NM_001351171.2, NM_001351172.2 and 1 more transcripts); c.876+2T>C (NM_001351177.2, NM_001351182.2, NM_001351186.2 and 16 more transcripts); c.735+2T>C (NM_001351195.2, NM_001351196.2, NM_001351194.2); c.1449+2T>C (NM_012229.5, NM_001134373.3); c.1356+2T>C (NM_001351175.2); c.1362+2T>C (NM_001351174.1).
Identifiers: ClinVar variation 1048080 (VCV001048080.7), dbSNP rs753295868, ClinGen allele CA5670759.
Genomic context (GRCh38, chr10:103,090,609, plus strand): 5'-AAGGTGGTTGCTGACCCTGGGCTTAGAGTACATCTTGGCTGTCCATTACAGCTTTAACTC[A>G]CCAAGACATGGGCAGCCCTGAAGAGGTAGCTGAAAGGGTAATACAGCAGGTTGATGAAAG-3'